The following is an entry in ClinVar:

NM_001387263.1(PATL2):c.1336C>T (p.Arg446Trp)

Gene: PATL2 (PAT1 homolog 2; minus strand). Cytogenetic location: 15q21.1.
Variant type: single nucleotide variant.
Coding change: c.1336C>T on transcript NM_001387263.1 (MANE Select); coding-DNA position 1336, C replaced by T.
Protein change: p.Arg446Trp; replaces arginine 446 with tryptophan.
Molecular consequence: missense variant.
Genome position (GRCh38, 1-based): chr15:44,668,371, G>A on the plus strand (C>T on the coding strand, the complement: PATL2 is on the minus strand). VCF-style: chr15-44668371-G-A. GRCh37 (hg19) VCF-style: chr15-44960569-G-A.
Other names: c.1336C>T, p.Arg446Trp (NM_001145112.2, NM_001387261.1, NM_001387262.1); c.769C>T, p.Arg257Trp (NM_001330283.2); c.1243C>T, p.Arg415Trp (NM_001387260.1, NM_001387264.1); short protein forms R257W, R415W, R446W.
Identifiers: ClinVar variation 3383085 (VCV003383085.3).
Genomic context (GRCh38, chr15:44,668,371, plus strand): 5'-TCTATGGAAAAAAGCCTCCTAGACATGTTACCTGATTCTGAAGCACCACGGTGACTGGCC[G>A]CTCTGAGGAGCCAGGTGGCAACAGCGTTAATCCCTGAAGTCCTTGGAGGAGTTCGTGGAG-3'
Protein context (NP_001374192.1, residues 436-456): LTLLPPGSSE[Arg446Trp]PVTVVLQNQF

ClinVar aggregate classification (germline): Uncertain significance. Review status: criteria provided, single submitter (1 of 4 stars). 2 submissions from 2 submitters: Uncertain significance (1). 1 of the submissions does not count toward it.

Conditions:
Oocyte maturation defect 4. Also called: OOCYTE/ZYGOTE/EMBRYO MATURATION ARREST 4. Identifiers: MedGen C4540284, MONDO:0021575, OMIM 617743.

gnomAD v4.1: 12 of 1,550,824 alleles (0.00077%); highest among the groups gnomAD compares: South Asian, 0.0048%; no homozygotes.

Submissions (2):

Juno Genomics, Hangzhou Juno Genomics, Inc
Classification: Uncertain significance for Oocyte maturation defect 4. Review status: criteria provided, single submitter. Criteria: ACMG Guidelines, 2015. Collection method: clinical testing. Allele origin: germline. Affected: yes.
Comment: Absent from controls (or at extremely low frequency if recessive) in Genome Aggregation Database, Exome Sequencing Project, 1000 Genomes Project, or Exome Aggregation Consortium.;Patient's phenotype or family history is highly specific for a disease with a single genetic etiology.;Multiple lines of computational evidence suggest no impact on gene or gene product (conservation, evolutionary, splicing impact, etc).

State Key Laboratory of Reproductive Medicine and Offspring Health, Nanjing Medical University
Classification: Likely pathogenic for Oocyte maturation defect 4. Last evaluated: 2026-03-16. Review status: no assertion criteria provided. Collection method: clinical testing. Allele origin: paternal. Affected: yes. Not counted in ClinVar's aggregate classification.

Literature cited by the submitters: PubMed 33614659 (cited by State Key Laboratory of Reproductive Medicine and Offspring Health, Nanjing Medical University).